The following is an entry in ClinVar:

NM_000336.3(SCNN1B):c.586-15T>C

Gene: SCNN1B (sodium channel epithelial 1 subunit beta; plus strand). Cytogenetic location: 16p12.2.
Variant type: single nucleotide variant.
Coding change: c.586-15T>C on transcript NM_000336.3 (MANE Select); 15 bases into the intron before coding-DNA position 586, T replaced by C.
Molecular consequence: intron variant.
Genome position (GRCh38, 1-based): chr16:23,355,284, T>C. VCF-style: chr16-23355284-T-C. GRCh37 (hg19) VCF-style: chr16-23366605-T-C.
Identifiers: ClinVar variation 318424 (VCV000318424.7), dbSNP rs371098444, ClinGen allele CA7960198.

ClinVar aggregate classification (germline): Conflicting classifications of pathogenicity. Review status: criteria provided, conflicting classifications (1 of 4 stars). 4 submissions from 2 submitters: Uncertain significance (1); Likely benign (3). Last evaluated 2024-11-30.

Conditions:
Pseudohypoaldosteronism, type IB1, autosomal recessive. Also called: Pseudohypoaldosteronism, Type I, Autosomal Recessive; PHA I, AUTOSOMAL RECESSIVE; Pseudohypoaldosteronism, Type I, Recessive; Autosomal recessive pseudohypoaldosteronism type 1. Identifiers: Orphanet 171876, Orphanet 756, MedGen C5774176, MONDO:0009917, OMIM 264350.
Liddle syndrome 1 (LIDLS1). Also called: PSEUDOALDOSTERONISM. Identifiers: Orphanet 526, MedGen CN031472, MONDO:0020607, OMIM 177200.
Bronchiectasis with or without elevated sweat chloride 1 (BESC1). Also called: Cystic Fibrosis-Like Syndrome. Identifiers: Orphanet 60033, MedGen C2749757, MONDO:0008887, OMIM 211400.

Allele frequency attached by ClinVar (database versions not stated): TOPMed 0.00007; gnomAD 0.00008 and 0.00009; gnomAD exomes 0.00008; ExAC 0.00009; ESP Exome Variant Server 0.00015.
gnomAD v4.1: 109 of 1,613,906 alleles (0.0068%); highest among the groups gnomAD compares: Non-Finnish European, 0.0083%; no homozygotes.

Submissions (4):

Labcorp Genetics (formerly Invitae), Labcorp
Classification: Likely benign. Last evaluated: 2024-11-30. Review status: criteria provided, single submitter. Criteria: Invitae Variant Classification Sherloc (09022015). Collection method: clinical testing. Allele origin: germline.

Illumina Laboratory Services, Illumina
Classification: Uncertain significance for Pseudohypoaldosteronism, type IB1, autosomal recessive. Last evaluated: 2018-01-13. Review status: criteria provided, single submitter. Criteria: ICSL Variant Classification Criteria 13 December 2019. Collection method: clinical testing. Allele origin: germline.

Illumina Laboratory Services, Illumina
Classification: Likely benign for Bronchiectasis with or without elevated sweat chloride 1. Last evaluated: 2018-01-13. Review status: criteria provided, single submitter. Criteria: ICSL Variant Classification Criteria 13 December 2019. Collection method: clinical testing. Allele origin: germline.
Comment: This variant was observed in the ICSL laboratory as part of a predisposition screen in an ostensibly healthy population. It had not been previously curated by ICSL or reported in the Human Gene Mutation Database (HGMD: prior to June 1st, 2018), and was therefore a candidate for classification through an automated scoring system. Utilizing variant allele frequency, disease prevalence and penetrance estimates, and inheritance mode, an automated score was calculated to assess if this variant is too frequent to cause the disease. Based on the score and internal cut-off values, a variant classified as likely benign is not then subjected to further curation. The score for this variant resulted in a classification of likely benign for this disease.

Illumina Laboratory Services, Illumina
Classification: Likely benign for Liddle syndrome 1. Last evaluated: 2018-01-13. Review status: criteria provided, single submitter. Criteria: ICSL Variant Classification Criteria 13 December 2019. Collection method: clinical testing. Allele origin: germline.
Comment: the same text as in the submission from Illumina Laboratory Services, Illumina above.